The following is an entry in ClinVar:

NM_001378454.1(ALMS1):c.12115-1G>T

Genes: ALMS1 (ALMS1 centrosome and basal body associated protein; plus strand), LOC126806252 (BRD4-independent group 4 enhancer GRCh37_chr2:73828496-73829695; plus strand). Cytogenetic location: 2p13.1.
Variant type: single nucleotide variant.
Coding change: c.12115-1G>T on transcript NM_001378454.1 (MANE Select); the canonical splice acceptor site of the intron before coding-DNA position 12115, G replaced by T.
Molecular consequence: splice acceptor variant.
Genome position (GRCh38, 1-based): chr2:73,602,184, G>T. VCF-style: chr2-73602184-G-T. GRCh37 (hg19) VCF-style: chr2-73829311-G-T.
Other names: c.12118-1G>T (NM_015120.4); c.12115-1G>T (NM_015120.4).
Identifiers: ClinVar variation 1338514 (VCV001338514.10), dbSNP rs769160407, ClinGen allele CA1715460.

ClinVar aggregate classification (germline): Pathogenic/Likely pathogenic. Review status: criteria provided, multiple submitters, no conflicts (2 of 4 stars). 2 submissions from 2 submitters: Pathogenic (1); Likely pathogenic (1). Last evaluated 2023-04-18.

Conditions:
Alstrom syndrome (ALMS). Identifiers: Orphanet 64, MedGen C0268425, MONDO:0008763, OMIM 203800.

Allele frequency attached by ClinVar (database versions not stated): ExAC 0.00001; gnomAD exomes 0.00001.

Submissions (2):

Labcorp Genetics (formerly Invitae), Labcorp
Classification: Likely pathogenic for Alstrom syndrome. Last evaluated: 2023-04-18. Review status: criteria provided, single submitter. Criteria: Invitae Variant Classification Sherloc (09022015). Collection method: clinical testing. Allele origin: germline.
Comment: ClinVar contains an entry for this variant (Variation ID: 1338514). This variant has not been reported in the literature in individuals affected with ALMS1-related conditions. This variant is not present in population databases (gnomAD no frequency). This sequence change affects an acceptor splice site in intron 19 of the ALMS1 gene. It is expected to disrupt RNA splicing. Variants that disrupt the donor or acceptor splice site typically lead to a loss of protein function (PMID: 16199547), and loss-of-function variants in ALMS1 are known to be pathogenic (PMID: 17594715). Algorithms developed to predict the effect of sequence changes on RNA splicing suggest that this variant may disrupt the consensus splice site. In summary, the currently available evidence indicates that the variant is pathogenic, but additional data are needed to prove that conclusively. Therefore, this variant has been classified as Likely Pathogenic.

Genetic Services Laboratory, University of Chicago
Classification: Pathogenic. Last evaluated: 2019-05-13. Review status: criteria provided, single submitter. Criteria: ACMG Guidelines, 2015. Collection method: clinical testing. Allele origin: germline. Affected: yes.
Comment: DNA sequence analysis of the ALMS1 gene demonstrated a sequence change in the canonical splice acceptor site of intron 19, c.12118-1G>T. This sequence change does not appear to have been previously described in patients with ALMS1-related disorders and is absent from the gnomAD population database. This pathogenic sequence change is predicted to affect normal splicing of the ALMS1 gene and result in an abnormal transcript, which may be degraded, or may lead to the production of a truncated ALMS1 protein with potentially abnormal function.

Literature cited by the submitters: PubMed 16199547 (cited by Labcorp Genetics (formerly Invitae), Labcorp); PubMed 17594715 (cited by Labcorp Genetics (formerly Invitae), Labcorp).